The following is an entry in ClinVar:

NM_013275.6(ANKRD11):c.3639C>T (p.Ser1213=)

Gene: ANKRD11 (ankyrin repeat domain 11; minus strand). Cytogenetic location: 16q24.3.
Variant type: single nucleotide variant.
Coding change: c.3639C>T on transcript NM_013275.6 (MANE Select); coding-DNA position 3639, C replaced by T.
Protein change: p.Ser1213=; no amino-acid change (serine 1213 retained).
Molecular consequence: synonymous variant.
Genome position (GRCh38, 1-based): chr16:89,282,903, G>A on the plus strand (C>T on the coding strand, the complement: ANKRD11 is on the minus strand). VCF-style: chr16-89282903-G-A. GRCh37 (hg19) VCF-style: chr16-89349311-G-A.
Other names: c.3639C>T, p.Ser1213= (NM_001256182.2, NM_001256183.2).
Identifiers: ClinVar variation 2647080 (VCV002647080.24), dbSNP rs753377859, ClinGen allele CA8242318.
Genomic context (GRCh38, chr16:89,282,903, plus strand): 5'-TTTCTTATCTTGCGTGGAGTCCACTGAGGCTCTGTCCTTCCTGTCCTTGTACTTTTCTGT[G>A]GACTCTTTATCCTTCTTCTCCTTGTGCTTTTCAAAGACTTTCTCTTTTTTGTCTCTCCCC-3'
Protein context (NP_037407.4, residues 1203-1223): EKHKEKKDKE[Ser1213=]TEKYKDRKDR

ClinVar aggregate classification (germline): Likely benign (1 of 4 stars; one submission).

Allele frequency attached by ClinVar (database versions not stated): ExAC 0.00001; gnomAD exomes 0.00001; TOPMed 0.00003; gnomAD 0.00004.
gnomAD v4.1: 17 of 1,612,520 alleles (0.0011%); highest among the groups gnomAD compares: Admixed American, 0.017%; no homozygotes.

Submission:

CeGaT Center for Human Genetics Tuebingen
Classification: Likely benign. Last evaluated: 2022-05-01. Review status: criteria provided, single submitter. Criteria: CeGaT Center For Human Genetics Tuebingen Variant Classification Criteria Version 2. Collection method: clinical testing. Allele origin: germline. Affected: yes. Observed: 1 variant allele.
Comment: ANKRD11: BP4, BP7